The following is an entry in ClinVar:

NM_001042492.3(NF1):c.3248T>A (p.Leu1083His)

Gene: NF1 (neurofibromin 1; plus strand). Cytogenetic location: 17q11.2.
Variant type: single nucleotide variant.
Coding change: c.3248T>A on transcript NM_001042492.3 (MANE Select); coding-DNA position 3248, T replaced by A.
Protein change: p.Leu1083His; replaces leucine 1083 with histidine.
Molecular consequence: missense variant.
Genome position (GRCh38, 1-based): chr17:31,232,123, T>A. VCF-style: chr17-31232123-T-A. GRCh37 (hg19) VCF-style: chr17-29559141-T-A.
Other names: c.3248T>A, p.Leu1083His (NM_000267.4); short protein forms L1083H.
Identifiers: ClinVar variation 3404654 (VCV003404654.1).

ClinVar aggregate classification (germline): Uncertain significance (1 of 4 stars; one submission).

Conditions:
Hereditary cancer-predisposing syndrome. Also called: Hereditary Cancer Syndrome; Tumor predisposition; Hereditary neoplastic syndrome; Neoplastic Syndromes, Hereditary. Identifiers: Orphanet 140162, MedGen C0027672, MeSH D009386, MONDO:0015356.
Cardiovascular phenotype. Identifiers: MedGen CN230736.

Submission:

Ambry Genetics
Classification: Uncertain significance for Cardiovascular phenotype; Hereditary cancer-predisposing syndrome. Last evaluated: 2024-07-03. Review status: criteria provided, single submitter. Criteria: Ambry Variant Classification Scheme 2023. Collection method: clinical testing. Allele origin: germline.
Comment: The p.L1083H variant (also known as c.3248T>A), located in coding exon 25 of the NF1 gene, results from a T to A substitution at nucleotide position 3248. The leucine at codon 1083 is replaced by histidine, an amino acid with similar properties. This amino acid position is conserved. In addition, this alteration is predicted to be deleterious by in silico analysis. Based on the available evidence, the clinical significance of this variant remains unclear.